The following is an entry in ClinVar:

NM_182931.3(KMT2E):c.1115G>A (p.Gly372Glu)

Gene: KMT2E (lysine methyltransferase 2E (inactive); plus strand). Cytogenetic location: 7q22.3.
Variant type: single nucleotide variant.
Coding change: c.1115G>A on transcript NM_182931.3 (MANE Select); coding-DNA position 1115, G replaced by A.
Protein change: p.Gly372Glu; replaces glycine 372 with glutamic acid.
Molecular consequence: missense variant.
Genome position (GRCh38, 1-based): chr7:105,077,418, G>A. VCF-style: chr7-105077418-G-A. GRCh37 (hg19) VCF-style: chr7-104717865-G-A.
Other names: c.1115G>A, p.Gly372Glu (NM_001410908.1, NM_018682.4); short protein forms G372E.
Identifiers: ClinVar variation 2505669 (VCV002505669.1), dbSNP rs781498883, ClinGen allele CA4423919.

ClinVar aggregate classification (germline): Uncertain significance (1 of 4 stars; one submission).

Allele frequency attached by ClinVar (database versions not stated): gnomAD exomes below 0.00001; ExAC 0.00001.
gnomAD v4.1: 1 of 1,605,648 alleles (0.000062%); no homozygotes.

Submission:

GeneDx
Classification: Uncertain significance. Last evaluated: 2022-12-19. Review status: criteria provided, single submitter. Criteria: GeneDx Variant Classification Process June 2021. Collection method: clinical testing. Allele origin: germline. Affected: yes.
Comment: Not observed at significant frequency in large population cohorts (gnomAD); In silico analysis supports that this missense variant has a deleterious effect on protein structure/function; Has not been previously published as pathogenic or benign to our knowledge